The following is an entry in ClinVar:

NM_000321.3(RB1):c.2228T>C (p.Leu743Ser)

Gene: RB1 (RB transcriptional corepressor 1; plus strand). Cytogenetic location: 13q14.2.
Variant type: single nucleotide variant.
Coding change: c.2228T>C on transcript NM_000321.3 (MANE Select); coding-DNA position 2228, T replaced by C.
Protein change: p.Leu743Ser; replaces leucine 743 with serine.
Molecular consequence: missense variant.
Genome position (GRCh38, 1-based): chr13:48,465,014, T>C. VCF-style: chr13-48465014-T-C. GRCh37 (hg19) VCF-style: chr13-49039150-T-C.
Other names: c.2228T>C, p.Leu743Ser (NM_001407165.1); short protein forms L743S.
Identifiers: ClinVar variation 1788026 (VCV001788026.8), dbSNP rs2138344588, ClinGen allele CA388167503.

ClinVar aggregate classification (germline): Uncertain significance. Review status: criteria provided, multiple submitters, no conflicts (2 of 4 stars). 2 submissions from 2 submitters: Uncertain significance (2). Last evaluated 2025-10-23.

Conditions:
Hereditary cancer-predisposing syndrome. Also called: Neoplastic Syndromes, Hereditary; Tumor predisposition; Hereditary Cancer Syndrome; Hereditary neoplastic syndrome. Identifiers: Orphanet 140162, MedGen C0027672, MeSH D009386, MONDO:0015356.
Retinoblastoma (RB1). Also called: RETINOBLASTOMA, SOMATIC. Identifiers: Orphanet 790, MedGen C0035335, MeSH D012175, MONDO:0008380, OMIM 180200, HP:0009919. Disease mechanism: loss of function. Inheritance: Both sporadic and heritable forms are tested..

Allele frequency attached by ClinVar (database versions not stated): gnomAD exomes below 0.00001.
gnomAD v4.1: 4 of 1,606,316 alleles (0.00025%); highest among the groups gnomAD compares: Non-Finnish European, 0.00034%; no homozygotes.

Submissions (2):

Ambry Genetics
Classification: Uncertain significance for Hereditary cancer-predisposing syndrome. Last evaluated: 2025-10-23. Review status: criteria provided, single submitter. Criteria: Ambry Variant Classification Scheme 2023. Collection method: clinical testing. Allele origin: germline.
Comment: The p.L743S variant (also known as c.2228T>C), located in coding exon 22 of the RB1 gene, results from a T to C substitution at nucleotide position 2228. The leucine at codon 743 is replaced by serine, an amino acid with dissimilar properties. This amino acid position is conserved. In addition, this alteration is predicted to be deleterious by in silico analysis. Based on the available evidence, the clinical significance of this variant remains unclear.

Labcorp Genetics (formerly Invitae), Labcorp
Classification: Uncertain significance for Retinoblastoma. Last evaluated: 2025-01-23. Review status: criteria provided, single submitter. Criteria: Invitae Variant Classification Sherloc (09022015). Collection method: clinical testing. Allele origin: germline.
Comment: This sequence change replaces leucine, which is neutral and non-polar, with serine, which is neutral and polar, at codon 743 of the RB1 protein (p.Leu743Ser). This variant is not present in population databases (gnomAD no frequency). This variant has not been reported in the literature in individuals affected with RB1-related conditions. ClinVar contains an entry for this variant (Variation ID: 1788026). Invitae Evidence Modeling of protein sequence and biophysical properties (such as structural, functional, and spatial information, amino acid conservation, physicochemical variation, residue mobility, and thermodynamic stability) indicates that this missense variant is not expected to disrupt RB1 protein function with a negative predictive value of 80%. In summary, the available evidence is currently insufficient to determine the role of this variant in disease. Therefore, it has been classified as a Variant of Uncertain Significance.